The following is an entry in ClinVar:

NM_000334.4(SCN4A):c.2995G>C (p.Val999Leu)

Genes: SCN4A (sodium voltage-gated channel alpha subunit 4; minus strand), GH-LCR (growth hormone locus control region; plus strand). Cytogenetic location: 17q23.3.
Variant type: single nucleotide variant.
Coding change: c.2995G>C on transcript NM_000334.4 (MANE Select); coding-DNA position 2995, G replaced by C.
Protein change: p.Val999Leu; replaces valine 999 with leucine.
Molecular consequence: missense variant.
Genome position (GRCh38, 1-based): chr17:63,948,760, C>G on the plus strand (G>C on the coding strand, the complement: SCN4A is on the minus strand). VCF-style: chr17-63948760-C-G. GRCh37 (hg19) VCF-style: chr17-62026120-C-G.
Other names: short protein forms V999L.
Identifiers: ClinVar variation 1305558 (VCV001305558.4), dbSNP rs377277110, ClinGen allele CA400621823.
Genomic context (GRCh38, chr17:63,948,760, plus strand): 5'-TCCACCACTTCTTCCCACGGCCCTGGGAGATGTCCACGTAGAGGCAGGGCCAGCGCTGCA[C>G]GCAGGCTGATGGGGTGAGGGGGGACAGGGACAGGCACCACATCATGGGCCTGGGGTTGCC-3'
Protein context (NP_000325.4, residues 989-1009): QPEECFTEAC[Val999Leu]QRWPCLYVDI

ClinVar aggregate classification (germline): Uncertain significance. Review status: criteria provided, multiple submitters, no conflicts (2 of 4 stars). 2 submissions from 2 submitters: Uncertain significance (2). Last evaluated 2020-12-23.

Submissions (2):

Revvity Omics, Revvity
Classification: Uncertain significance. Last evaluated: 2020-12-23. Review status: criteria provided, single submitter. Criteria: ACMG Guidelines, 2015. Collection method: clinical testing. Allele origin: germline.

GeneDx
Classification: Uncertain significance. Last evaluated: 2019-05-07. Review status: criteria provided, single submitter. Criteria: GeneDx Variant Classification Process June 2021. Collection method: clinical testing. Allele origin: germline. Affected: yes.
Comment: Not observed in large population cohorts (Lek et al., 2016); In silico analysis, which includes protein predictors and evolutionary conservation, supports that this variant does not alter protein structure/function; Has not been previously published as pathogenic or benign to our knowledge